The following is an entry in ClinVar:

ClinVar aggregate classification (germline): Conflicting classifications of pathogenicity. Review status: criteria provided, conflicting classifications (1 of 4 stars). 6 submissions from 6 submitters: Uncertain significance (4); Likely benign (2). Last evaluated 2026-01-27.

Conditions:
Cardiovascular phenotype. Identifiers: MedGen CN230736.
Brugada syndrome 8 (BRGDA8). Identifiers: Orphanet 130, MedGen C2751083, MONDO:0013148, OMIM 613123.

Allele frequency attached by ClinVar (database versions not stated): ExAC 0.00002; TOPMed 0.00002.
gnomAD v4.1: 35 of 1,611,540 alleles (0.0022%); highest among the groups gnomAD compares: Admixed American, 0.035%; no homozygotes.

Submissions (6):

Labcorp Genetics (formerly Invitae), Labcorp
Classification: Uncertain significance for Brugada syndrome 8. Last evaluated: 2026-01-27. Review status: criteria provided, single submitter. Criteria: Invitae Variant Classification Sherloc (09022015). Collection method: clinical testing. Allele origin: germline.
Comment: This sequence change replaces proline, which is neutral and non-polar, with histidine, which is basic and polar, at codon 1163 of the HCN4 protein (p.Pro1163His). This variant is present in population databases (rs756052150, gnomAD 0.02%). This variant has not been reported in the literature in individuals affected with HCN4-related conditions. ClinVar contains an entry for this variant (Variation ID: 404127). Invitae Evidence Modeling of protein sequence and biophysical properties (such as structural, functional, and spatial information, amino acid conservation, physicochemical variation, residue mobility, and thermodynamic stability) indicates that this missense variant is not expected to disrupt HCN4 protein function with a negative predictive value of 95%. In summary, the available evidence is currently insufficient to determine the role of this variant in disease. Therefore, it has been classified as a Variant of Uncertain Significance.

Dasa
Classification: Uncertain significance. Last evaluated: 2025-07-10. Review status: criteria provided, single submitter. Criteria: DASA Assertion Criteria. Collection method: clinical testing. Allele origin: germline.
Comment: NM_005477.3(HCN4):c.3488C>A (p.Pro1163His) is a missense variant that results in the substitution of proline with histidine. This variant is rare in population databases. Computational prediction algorithms are consistent with a benign effect. The currently available literature and clinical evidence are not sufficient to establish a definitive association between this variant and the reported condition. Therefore, this variant is classified as a variant of uncertain significance.

Women's Health and Genetics/Laboratory Corporation of America, LabCorp
Classification: Likely benign. Last evaluated: 2025-05-16. Review status: criteria provided, single submitter. Criteria: LabCorp Variant Classification Summary - May 2015. Collection method: clinical testing. Allele origin: germline.
Comment: Variant summary: HCN4 c.3488C>A (p.Pro1163His) results in a non-conservative amino acid change in the encoded protein sequence. Algorithms developed to predict the effect of missense changes on protein structure and function are either unavailable or do not agree on the potential impact of this missense change. The variant allele was found at a frequency of 4.5e-05 in 242106 control chromosomes. The observed variant frequency is approximately 4-fold of the estimated maximal expected allele frequency for a pathogenic variant in HCN4 causing Sick Sinus Syndrome 2 phenotype (1e-05). c.3488C>A has been observed in a family with atrial fibrillation but not segregate with disease (Fraile_2024). These report(s) do not provide unequivocal conclusions about association of the variant with Sick Sinus Syndrome 2. At least one publication reports experimental evidence evaluating an impact on protein function. These results showed no damaging effect of this variant in CHO cells (Fraile_2024). The following publication have been ascertained in the context of this evaluation (PMID: 38432398). ClinVar contains an entry for this variant (Variation ID: 404127). Based on the evidence outlined above, the variant was classified as likely benign.

Ambry Genetics
Classification: Uncertain significance for Cardiovascular phenotype. Last evaluated: 2024-08-09. Review status: criteria provided, single submitter. Criteria: Ambry Variant Classification Scheme 2023. Collection method: clinical testing. Allele origin: germline.
Comment: The p.P1163H variant (also known as c.3488C>A), located in coding exon 8 of the HCN4 gene, results from a C to A substitution at nucleotide position 3488. The proline at codon 1163 is replaced by histidine, an amino acid with similar properties. This variant has been detected in a family with atrial fibrillation; however, an affected individual did not have this variant. In addition, functional studies suggest this variant may not impact protein function (Fraile A et al. Can J Cardiol, 2024 Jul;40:1270-1280). This amino acid position is not well conserved in available vertebrate species. In addition, this alteration is predicted to be tolerated by in silico analysis. Based on the available evidence, the clinical significance of this variant remains unclear.

Blueprint Genetics
Classification: Likely benign. Last evaluated: 2024-04-11. Review status: criteria provided, single submitter. Criteria: ACMG Guidelines, 2015. Collection method: clinical testing. Allele origin: germline.

GeneDx
Classification: Uncertain significance. Last evaluated: 2021-10-18. Review status: criteria provided, single submitter. Criteria: GeneDx Variant Classification Process June 2021. Collection method: clinical testing. Allele origin: germline. Affected: yes.
Comment: Has not been reported in peer-reviewed literature to our knowledge; In silico analysis supports that this missense variant does not alter protein structure/function; Reported in ClinVar as a variant of uncertain significance (ClinVar Variant ID# 404127; Landrum et al., 2016)

Literature cited by the submitters: PubMed 38432398 (cited by Women's Health and Genetics/Laboratory Corporation of America, LabCorp and Ambry Genetics).

NM_005477.3(HCN4):c.3488C>A (p.Pro1163His)

Gene: HCN4 (hyperpolarization activated cyclic nucleotide gated potassium channel 4; minus strand). Cytogenetic location: 15q24.1.
Variant type: single nucleotide variant.
Coding change: c.3488C>A on transcript NM_005477.3 (MANE Select); coding-DNA position 3488, C replaced by A.
Protein change: p.Pro1163His; replaces proline 1163 with histidine.
Molecular consequence: missense variant.
Genome position (GRCh38, 1-based): chr15:73,322,605, G>T on the plus strand (C>A on the coding strand, the complement: HCN4 is on the minus strand). VCF-style: chr15-73322605-G-T. GRCh37 (hg19) VCF-style: chr15-73614946-G-T.
Other names: short protein forms P1163H.
Identifiers: ClinVar variation 404127 (VCV000404127.21), dbSNP rs756052150, ClinGen allele CA7648816.